The following is an entry in ClinVar:

ClinVar aggregate classification (germline): Conflicting classifications of pathogenicity. Review status: criteria provided, conflicting classifications (1 of 4 stars). 5 submissions from 5 submitters: Uncertain significance (2); Likely benign (3). Last evaluated 2026-08-10.

Conditions:
Early-infantile DEE. Also called: Ohtahara syndrome; Early infantile epileptic encephalopathy; Early infantile epileptic encephalopathy with suppression bursts. Identifiers: Orphanet 1934, MedGen C0393706, MONDO:0800491.
Inborn genetic diseases. Identifiers: MedGen C0950123, MeSH D030342.
Developmental and epileptic encephalopathy, 24 (DEE24). Also called: Epileptic encephalopathy, early infantile, 24. Identifiers: Orphanet 442835, MedGen C4014531, MONDO:0014377, OMIM 615871.
Generalized epilepsy with febrile seizures plus, type 10. Also called: GEFS+, TYPE 10. Identifiers: MedGen C5193120, MONDO:0032777, OMIM 618482.

Submissions (5):

GeneDx
Classification: Uncertain significance. Last evaluated: 2026-08-10. Review status: criteria provided, single submitter. Criteria: GeneDx Variant Classification Process June 2021. Collection method: clinical testing. Allele origin: germline.
Comment: Reported in a patient with epilepsy and cold-induced sweating syndrome in the published literature who also had a variant in another gene that may have been responsible for the phenotype (de Len Ojeda et al. (2024). Unraveling genetic contributions to neurodevelopmental disorders and epilepsy in a pediatric cohort from a Mexican state. Advanced Neurology. 10.36922/an.3359); Not observed at significant frequency in large population cohorts (gnomAD); In-frame duplication of 5 amino acids in a repetitive region with no known function; This variant is associated with the following publications: (PMID: deLen-Ojeda2024[paper])

CeGaT Center for Human Genetics Tuebingen
Classification: Likely benign. Last evaluated: 2026-08-01. Review status: criteria provided, single submitter. Criteria: CeGaT Center For Human Genetics Tuebingen Variant Classification Criteria Version 2. Collection method: clinical testing. Allele origin: germline. Affected: yes. Observed: 4 variant alleles.
Comment: HCN1: BP3

Ambry Genetics
Classification: Likely benign for Inborn genetic diseases. Last evaluated: 2026-02-04. Review status: criteria provided, single submitter. Criteria: Ambry Variant Classification Scheme 2023. Collection method: clinical testing. Allele origin: germline.

Labcorp Genetics (formerly Invitae), Labcorp
Classification: Likely benign for Early-infantile DEE. Last evaluated: 2025-12-28. Review status: criteria provided, single submitter. Criteria: Invitae Variant Classification Sherloc (09022015). Collection method: clinical testing. Allele origin: germline.

Center for Genomics, Ann and Robert H. Lurie Children's Hospital of Chicago
Classification: Uncertain significance for Developmental and epileptic encephalopathy, 24; Generalized epilepsy with febrile seizures plus, type 10. Review status: criteria provided, single submitter. Criteria: ACMG Guidelines, 2015. Collection method: clinical testing. Allele origin: germline.
Comment: This variant has not been reported in the literature but is present in the Genome Aggregation Database (Highest reported MAF 0.06% (10/14526). This variant is present in ClinVar (Variation ID:573431). Evolutionary conservation and computational predictive tools for this variant are limited or unavailable. This variant is a duplication of 5 Glycine residues within a repeat region of Glycine. In summary, data on this variant is insufficient for disease classification. Therefore, the clinical significance of this variant is uncertain.

NM_021072.4(HCN1):c.192_206dup (p.Gly70_Gly74dup)

Gene: HCN1 (hyperpolarization activated cyclic nucleotide gated potassium channel 1; minus strand). Cytogenetic location: 5p12.
Variant type: Duplication.
Coding change: c.192_206dup on transcript NM_021072.4 (MANE Select); coding-DNA positions 192 to 206, 15 bases duplicated (TGGCGGCGGTGGCGG).
Protein change: p.Gly70_Gly74dup.
Molecular consequence: inframe insertion.
Genome position (GRCh38, 1-based): chr5:45,695,888-45,695,902, CCGCCACCGCCGCCA duplicated on the plus strand (TGGCGGCGGTGGCGG on the coding strand, the reverse complement: HCN1 is on the minus strand); duplicating any 15 consecutive bases within chr5:45,695,888-45,695,907 gives the same sequence; the c. name uses the placement nearest the transcript's 3' end. VCF-style (leftmost placement, unchanged base first): chr5-45695887-G-GCCGCCACCGCCGCCA. GRCh37 (hg19) VCF-style: chr5-45695989-G-GCCGCCACCGCCGCCA.
Other names: c.192_206dupTGGCGGCGGTGGCGG (NM_021072.3).
Identifiers: ClinVar variation 573431 (VCV000573431.24), dbSNP rs1485709375, ClinGen allele CA811113434.